The following is an entry in ClinVar:

NM_001270.4(CHD1):c.1501A>G (p.Ser501Gly)

Gene: CHD1 (chromodomain helicase DNA binding protein 1; minus strand). Cytogenetic location: 5q15.
Variant type: single nucleotide variant.
Coding change: c.1501A>G on transcript NM_001270.4 (MANE Select); coding-DNA position 1501, A replaced by G.
Protein change: p.Ser501Gly; replaces serine 501 with glycine.
Molecular consequence: missense variant. On other transcripts: non-coding transcript variant (2).
Genome position (GRCh38, 1-based): chr5:98,896,435, T>C on the plus strand (A>G on the coding strand, the complement: CHD1 is on the minus strand). VCF-style: chr5-98896435-T-C. GRCh37 (hg19) VCF-style: chr5-98232139-T-C.
Other names: c.1501A>G, p.Ser501Gly (NM_001364113.3, NM_001376194.2); short protein forms S501G.
Identifiers: ClinVar variation 2505934 (VCV002505934.2), dbSNP rs2479674132, ClinGen allele CA360518850.

ClinVar aggregate classification (germline): Uncertain significance (1 of 4 stars; one submission).

Submission:

GeneDx
Classification: Uncertain significance. Last evaluated: 2024-04-02. Review status: criteria provided, single submitter. Criteria: GeneDx Variant Classification Process June 2021. Collection method: clinical testing. Allele origin: germline. Affected: yes.
Comment: Not observed at significant frequency in large population cohorts (gnomAD); In silico analysis supports that this missense variant has a deleterious effect on protein structure/function; Has not been previously published as pathogenic or benign to our knowledge